The following is an entry in ClinVar:

ClinVar aggregate classification (germline): Likely pathogenic (1 of 4 stars; one submission).

Conditions:
Intellectual developmental disorder, X-linked 30. Also called: Intellectual disability, X-linked 30; MENTAL RETARDATION, X-LINKED 47. Identifiers: Orphanet 777, MedGen C0796237, MONDO:0010361, OMIM 300558.

Submission:

Medical Genome Center, National Center of Neurology and Psychiatry
Classification: Likely pathogenic for Intellectual developmental disorder, X-linked 30. Last evaluated: 2018-12-10. Review status: criteria provided, single submitter. Criteria: ACMG Guidelines, 2015. Collection method: research. Allele origin: inherited. Inheritance: X-linked recessive inheritance. Affected: yes. Observed: 2 variant alleles, 2 hemizygotes. Clinical features observed: Intellectual disability (HP:0001249).
Comment: The most severe form of intellectual disability.

NM_002578.5(PAK3):c.1282T>A (p.Trp428Arg)

Gene: PAK3 (p21 (RAC1) activated kinase 3; plus strand). Cytogenetic location: Xq23.
Variant type: single nucleotide variant.
Coding change: c.1282T>A on transcript NM_002578.5 (MANE Select); coding-DNA position 1282, T replaced by A.
Protein change: p.Trp428Arg; replaces tryptophan 428 with arginine.
Molecular consequence: missense variant. On other transcripts: non-coding transcript variant (2).
Genome position (GRCh38, 1-based): chrX:111,196,515, T>A. VCF-style: chrX-111196515-T-A. GRCh37 (hg19) VCF-style: chrX-110439743-T-A.
Other names: c.1282T>A, p.Trp428Arg (NM_001128166.3, NM_001128167.3, NM_001324325.2 and 5 more transcripts); c.1390T>A, p.Trp464Arg (NM_001128168.3); c.1345T>A, p.Trp449Arg (NM_001128172.2); c.1327T>A, p.Trp443Arg (NM_001128173.3, NM_001324327.2, NM_001324328.2 and 2 more transcripts); short protein forms W428R, W443R, W449R, W464R.
Identifiers: ClinVar variation 633605 (VCV000633605.3), dbSNP rs1603378331, ClinGen allele CA414239439.